The following is an entry in ClinVar:

NM_001127649.3(PEX26):c.371+8T>G

Gene: PEX26 (peroxisomal biogenesis factor 26; plus strand). Cytogenetic location: 22q11.21.
Variant type: single nucleotide variant.
Coding change: c.371+8T>G on transcript NM_001127649.3 (MANE Select); 8 bases into the intron after coding-DNA position 371, T replaced by G.
Molecular consequence: intron variant.
Genome position (GRCh38, 1-based): chr22:18,080,022, T>G. VCF-style: chr22-18080022-T-G. GRCh37 (hg19) VCF-style: chr22-18562788-T-G.
Other names: c.371+8T>G (NM_017929.6, NM_001199319.2, NM_017929.5).
Identifiers: ClinVar variation 1652677 (VCV001652677.10), dbSNP rs778162874, ClinGen allele CA10093298.

ClinVar aggregate classification (germline): Likely benign. Review status: criteria provided, single submitter (1 of 4 stars). 2 submissions from 2 submitters: Likely benign (1). 1 of the submissions does not count toward it. Last evaluated 2025-11-25.

Conditions:
PEX26-related disorder. Also called: PEX26-related condition.
Peroxisome biogenesis disorder 7A (Zellweger). Also called: Peroxisome biogenesis disorder 7A. Identifiers: Orphanet 912, MedGen C3888385, MONDO:0013938, OMIM 614872.
Peroxisome biogenesis disorder 7B (PBD7B). Identifiers: Orphanet 44, MedGen C3553951, MONDO:0013939, OMIM 614873.

Allele frequency attached by ClinVar (database versions not stated): gnomAD exomes 0.00001 and 0.00003; ExAC 0.00002.
gnomAD v4.1: 44 of 1,614,110 alleles (0.0027%); highest among the groups gnomAD compares: Non-Finnish European, 0.0036%; no homozygotes.

Submissions (2):

Labcorp Genetics (formerly Invitae), Labcorp
Classification: Likely benign for Peroxisome biogenesis disorder 7A (Zellweger); Peroxisome biogenesis disorder 7B. Last evaluated: 2025-11-25. Review status: criteria provided, single submitter. Criteria: Invitae Variant Classification Sherloc (09022015). Collection method: clinical testing. Allele origin: germline.

PreventionGenetics, part of Exact Sciences
Classification: Likely benign for PEX26-related condition. Last evaluated: 2024-01-24. Review status: no assertion criteria provided. Collection method: clinical testing. Allele origin: germline. Not counted in ClinVar's aggregate classification.
Comment: This variant is classified as likely benign based on ACMG/AMP sequence variant interpretation guidelines (Richards et al. 2015 PMID: 25741868, with internal and published modifications).